The following is an entry in ClinVar:

ClinVar aggregate classification (germline): Conflicting classifications of pathogenicity. Review status: criteria provided, conflicting classifications (1 of 4 stars). 3 submissions from 3 submitters: Uncertain significance (2); Benign (1). Last evaluated 2025-05-01.

Conditions:
Hypertrophic cardiomyopathy. Also called: HYPERTROPHIC MYOCARDIOPATHY. Identifiers: Orphanet 217569, MedGen C0007194, MeSH D002312, MONDO:0005045, HP:0001639.
Cardiomyopathy (CMYO). Also called: Cardiomyopathies. Identifiers: Orphanet 167848, MedGen C0878544, MONDO:0004994, HP:0001638. Inheritance: Various modes of inheritance.

Submissions (3):

Labcorp Genetics (formerly Invitae), Labcorp
Classification: Benign for Hypertrophic cardiomyopathy. Last evaluated: 2025-05-01. Review status: criteria provided, single submitter. Criteria: Invitae Variant Classification Sherloc (09022015). Collection method: clinical testing. Allele origin: germline.

All of Us Research Program, National Institutes of Health
Classification: Uncertain significance for Cardiomyopathy. Last evaluated: 2023-05-04. Review status: criteria provided, single submitter. Criteria: ACMG Guidelines, 2015. Collection method: clinical testing. Allele origin: germline. Inheritance: Autosomal dominant inheritance. Observed: 1 variant allele, 1 heterozygote.
Comment: This variant causes deletion of 1 nucleotide in intron 14 of the MYH7 gene. To our knowledge, functional studies have not been reported for this variant. This variant has not been reported in individuals affected with MYH7-related disorders in the literature. This variant has not been identified in the general population by the Genome Aggregation Database (gnomAD). The available evidence is insufficient to determine the role of this variant in disease conclusively. Therefore, this variant is classified as a Variant of Uncertain Significance.

This study involves interpretation of variants in research participants for the purpose of population health screening. Participant phenotype was not available at the time of variant classification. Additional details can be found in publication PMID: 35346344, PMCID: PMC8962531

Color Diagnostics, LLC DBA Color Health
Classification: Uncertain significance for Cardiomyopathy. Last evaluated: 2023-03-30. Review status: criteria provided, single submitter. Criteria: ACMG Guidelines, 2015. Collection method: clinical testing. Allele origin: germline.
Comment: This variant causes deletion of 1 nucleotide in intron 14 of the MYH7 gene. To our knowledge, functional studies have not been reported for this variant. This variant has not been reported in individuals affected with MYH7-related disorders in the literature. This variant has not been identified in the general population by the Genome Aggregation Database (gnomAD). The available evidence is insufficient to determine the role of this variant in disease conclusively. Therefore, this variant is classified as a Variant of Uncertain Significance.

NM_000257.4(MYH7):c.1408-6del

Gene: MYH7 (myosin heavy chain 7; minus strand). Cytogenetic location: 14q11.2.
Variant type: Deletion.
Coding change: c.1408-6del on transcript NM_000257.4 (MANE Select); 6 bases into the intron before coding-DNA position 1408, one base deleted (C; older notation c.1408-6delC).
Molecular consequence: intron variant.
Genome position (GRCh38, 1-based): chr14:23,428,676, G deleted on the plus strand (C on the coding strand, the reverse complement: MYH7 is on the minus strand); the first of 5 consecutive G bases (chr14:23,428,676-23,428,680); deleting any one gives the same sequence. VCF-style (leftmost placement, unchanged base first): chr14-23428675-AG-A. GRCh37 (hg19) VCF-style: chr14-23897884-AG-A.
Identifiers: ClinVar variation 1331740 (VCV001331740.6), dbSNP rs1892796424, ClinGen allele CA2123444341.